The following is an entry in ClinVar:

ClinVar aggregate classification (germline): Uncertain significance. Review status: criteria provided, single submitter (1 of 4 stars). 2 submissions from 2 submitters: Uncertain significance (1). 1 of the submissions does not count toward it. Last evaluated 2025-11-25.

Conditions:
Hereditary cancer-predisposing syndrome. Also called: Neoplastic Syndromes, Hereditary; Tumor predisposition; Hereditary neoplastic syndrome; Hereditary Cancer Syndrome. Identifiers: Orphanet 140162, MedGen C0027672, MeSH D009386, MONDO:0015356.
Prostate cancer, hereditary, 1 (HPC1). Identifiers: Orphanet 1331, MedGen C4722327, MONDO:0011098, OMIM 601518.

gnomAD v4.1: 1 of 1,613,240 alleles (0.000062%); highest among the groups gnomAD compares: South Asian, 0.0011%; no homozygotes.

Submissions (2):

Ambry Genetics
Classification: Uncertain significance for Hereditary cancer-predisposing syndrome. Last evaluated: 2025-11-25. Review status: criteria provided, single submitter. Criteria: Ambry Variant Classification Scheme 2023. Collection method: clinical testing. Allele origin: germline.
Comment: The p.D52Y variant (also known as c.154G>T), located in coding exon 1 of the HOXB13 gene, results from a G to T substitution at nucleotide position 154. The aspartic acid at codon 52 is replaced by tyrosine, an amino acid with highly dissimilar properties. This amino acid position is conserved. In addition, the in silico prediction for this alteration is inconclusive. Since supporting evidence is limited at this time, the clinical significance of this alteration remains unclear.

Laboratory of Virology, Microbiology,  Quality and Medical Biotechnologies, Faculty of Sciences and Techniques - Mohammedia, Hassan II University of Casablanca
Classification: Uncertain significance for Prostate cancer, hereditary, 1. Review status: no assertion criteria provided. Collection method: clinical testing. Allele origin: somatic. Affected: yes. Not counted in ClinVar's aggregate classification.

NM_006361.6(HOXB13):c.154G>T (p.Asp52Tyr)

Gene: HOXB13 (homeobox B13; minus strand). Cytogenetic location: 17q21.32.
Variant type: single nucleotide variant.
Coding change: c.154G>T on transcript NM_006361.6 (MANE Select); coding-DNA position 154, G replaced by T.
Protein change: p.Asp52Tyr; replaces aspartic acid 52 with tyrosine.
Molecular consequence: missense variant.
Genome position (GRCh38, 1-based): chr17:48,728,440, C>A on the plus strand (G>T on the coding strand, the complement: HOXB13 is on the minus strand). VCF-style: chr17-48728440-C-A. GRCh37 (hg19) VCF-style: chr17-46805802-C-A.
Other names: short protein forms D52Y.
Identifiers: ClinVar variation 690562 (VCV000690562.5), dbSNP rs1597935002, ClinGen allele CA400109082.